The following is an entry in ClinVar:

ClinVar aggregate classification (germline): Conflicting classifications of pathogenicity. Review status: criteria provided, conflicting classifications (1 of 4 stars). 4 submissions from 4 submitters: Uncertain significance (1); Benign (2). 1 of the submissions does not count toward it. Last evaluated 2023-02-01.

Conditions:
Hydatidiform mole, recurrent, 1 (HYDM1). Identifiers: Orphanet 254688, Orphanet 99927, MedGen C3463897, MONDO:0009273, OMIM 231090. Disease mechanism: loss of function.
Prostate cancer. Also called: Malignant tumor of prostate. Identifiers: Orphanet 1331, MedGen C0376358, MONDO:0008315, HP:0012125.

Allele frequency attached by ClinVar (database versions not stated): 1000 Genomes Project 30x 0.00281; 1000 Genomes Project 0.00339.
gnomAD v4.1: 3,881 of 1,612,818 alleles (0.24%); highest among the groups gnomAD compares: East Asian, 1.5%; 67 homozygotes.

Submissions (4):

CeGaT Center for Human Genetics Tuebingen
Classification: Benign. Last evaluated: 2023-02-01. Review status: criteria provided, single submitter. Criteria: CeGaT Center For Human Genetics Tuebingen Variant Classification Criteria Version 2. Collection method: clinical testing. Allele origin: germline. Affected: yes. Observed: 2 variant alleles.
Comment: NLRP7: BP4, BS1, BS2

Mendelics
Classification: Benign for Familial prostate cancer. Last evaluated: 2019-05-28. Review status: criteria provided, single submitter. Criteria: Mendelics Assertion Criteria 2017. Collection method: clinical testing. Allele origin: unknown.

Illumina Laboratory Services, Illumina
Classification: Uncertain significance for Hydatidiform mole, recurrent, 1. Last evaluated: 2017-04-27. Review status: criteria provided, single submitter. Criteria: ICSL Variant Classification Criteria 13 December 2019. Collection method: clinical testing. Allele origin: germline.
Comment: This variant was observed as part of a predisposition screen in an ostensibly healthy population. A literature search was performed for the gene, cDNA change, and amino acid change (where applicable). Publications were found based on this search. However, the evidence from the literature, in combination with allele frequency data from public databases where available, was not sufficient to rule this variant in or out of causing disease. Therefore, this variant is classified as a variant of unknown significance.

Unité médicale des maladies autoinflammatoires, CHRU Montpellier
No classification provided. Condition: Hydatidiform mole. Review status: no classification provided. Collection method: not provided. Allele origin: unknown. Not counted in ClinVar's aggregate classification.

Literature cited by the submitters: PubMed 24105752 (cited by Illumina Laboratory Services, Illumina); PubMed 19066229 (cited by Illumina Laboratory Services, Illumina); PubMed 21507883 (cited by Illumina Laboratory Services, Illumina).

NM_001127255.2(NLRP7):c.1137G>C (p.Lys379Asn)

Genes: KIR3DL1 (killer cell immunoglobulin like receptor, three Ig domains and long cytoplasmic tail 1), NLRP7 (NLR family pyrin domain containing 7; minus strand). Cytogenetic location: 19q13.42.
Variant type: single nucleotide variant.
Coding change: c.1137G>C on transcript NM_001127255.2 (MANE Select); coding-DNA position 1137, G replaced by C.
Protein change: p.Lys379Asn; replaces lysine 379 with asparagine.
Molecular consequence: missense variant.
Genome position (GRCh38, 1-based): chr19:54,939,682, C>G on the plus strand (G>C on the coding strand, the complement: NLRP7 is on the minus strand). VCF-style: chr19-54939682-C-G. GRCh37 (hg19) VCF-style: chr19-55451050-C-G.
Other names: c.1137G>C, p.Lys379Asn (NM_001405531.1, NM_139176.4, NM_206828.4); short protein forms K379N.
Identifiers: ClinVar variation 97715 (VCV000097715.35), dbSNP rs10418277, ClinGen allele CA149945.
Genomic context (GRCh38, chr19:54,939,682, plus strand): 5'-GCAGAGGAAACGCAGGAACAGCCCCGTGCGGGTGAGGCAGGTGGGGACCGGGTCCTCCCC[C>G]TTCTCCATCTGCAGCTTCAGAGTCGTGCACACAATCCAGCACACCGCGGGGGCCGAGCCC-3'
Protein context (NP_001120727.1, residues 369-389): VCTTLKLQME[Lys379Asn]GEDPVPTCLT